The following is an entry in ClinVar:

ClinVar aggregate classification (germline): Uncertain significance. Review status: criteria provided, multiple submitters, no conflicts (2 of 4 stars). 2 submissions from 2 submitters: Uncertain significance (2). Last evaluated 2025-08-26.

gnomAD v4.1: 10 of 1,614,206 alleles (0.00062%); highest among the groups gnomAD compares: Admixed American, 0.005%; no homozygotes.

Submissions (2):

Labcorp Genetics (formerly Invitae), Labcorp
Classification: Uncertain significance. Last evaluated: 2025-08-26. Review status: criteria provided, single submitter. Criteria: Invitae Variant Classification Sherloc (09022015). Collection method: clinical testing. Allele origin: germline.
Comment: This sequence change replaces isoleucine, which is neutral and non-polar, with threonine, which is neutral and polar, at codon 2712 of the FAT2 protein (p.Ile2712Thr). This variant is present in population databases (rs375059590, gnomAD 0.006%). This variant has not been reported in the literature in individuals affected with FAT2-related conditions. Invitae Evidence Modeling of protein sequence and biophysical properties (such as structural, functional, and spatial information, amino acid conservation, physicochemical variation, residue mobility, and thermodynamic stability) indicates that this missense variant is not expected to disrupt FAT2 protein function with a negative predictive value of 80%. In summary, the available evidence is currently insufficient to determine the role of this variant in disease. Therefore, it has been classified as a Variant of Uncertain Significance.

Ambry Genetics
Classification: Uncertain significance. Last evaluated: 2025-08-08. Review status: criteria provided, single submitter. Criteria: Ambry Variant Classification Scheme 2023. Collection method: clinical testing. Allele origin: germline.

NM_001447.3(FAT2):c.8135T>C (p.Ile2712Thr)

Genes: FAT2 (FAT atypical cadherin 2; minus strand), SLC36A1 (solute carrier family 36 member 1; plus strand). Cytogenetic location: 5q33.1.
Variant type: single nucleotide variant.
Coding change: c.8135T>C on transcript NM_001447.3 (MANE Select); coding-DNA position 8135, T replaced by C.
Protein change: p.Ile2712Thr; replaces isoleucine 2712 with threonine.
Molecular consequence: missense variant.
Genome position (GRCh38, 1-based): chr5:151,542,992, A>G on the plus strand (T>C on the coding strand, the complement: FAT2 is on the minus strand). VCF-style: chr5-151542992-A-G. GRCh37 (hg19) VCF-style: chr5-150922553-A-G.
Other names: short protein forms I2712T.
Identifiers: ClinVar variation 4255141 (VCV004255141.2).
Genomic context (GRCh38, chr5:151,542,992, plus strand): 5'-GGTGTAGTGCCCCGCACTAGACTGTAGATGACTGGATCTTGAGCTGCCACTGCTTTAACA[A>G]TCCCAATTTCAGACCCCTCTGGAAGGTCTTCAGGTGCAGAGAAAGTATACAAAGGTTCAG-3'
Protein context (NP_001438.1, residues 2702-2722): EDLPEGSEIG[Ile2712Thr]VKAVAAQDPV